The following is an entry in ClinVar:

ClinVar aggregate classification (germline): Likely benign (1 of 4 stars; one submission).

Submission:

GeneDx
Classification: Likely benign. Last evaluated: 2016-03-17. Review status: criteria provided, single submitter. Criteria: GeneDx Variant Classification (06012015). Collection method: clinical testing. Allele origin: germline. Affected: yes.
Comment: This variant is considered likely benign or benign based on one or more of the following criteria: it is a conservative change, it occurs at a poorly conserved position in the protein, it is predicted to be benign by multiple in silico algorithms, and/or has population frequency not consistent with disease.

NM_002667.5(PLN):c.-14G>A

Genes: CEP85L (centrosomal protein 85 like; minus strand), PLN (phospholamban; plus strand). Cytogenetic location: 6q22.31.
Variant type: single nucleotide variant.
Coding change: c.-14G>A on transcript NM_002667.5 (MANE Select); 14 bases upstream of the start codon, G replaced by A.
Molecular consequence: 5 prime UTR variant. On other transcripts: intron variant (3).
Genome position (GRCh38, 1-based): chr6:118,558,908, G>A. VCF-style: chr6-118558908-G-A. GRCh37 (hg19) VCF-style: chr6-118880071-G-A.
Other names: c.1029+6621C>T (NM_001178035.2); c.1020+6621C>T (NM_001042475.3, NM_206921.3).
Identifiers: ClinVar variation 384911 (VCV000384911.2), dbSNP rs1057522073, ClinGen allele CA16605016.
Genomic context (GRCh38, chr6:118,558,908, plus strand): 5'-CTCATATTTGGCTGCCAGCTTTTTATCTTTCTCTCGACCACTTAAAACTTCAGACTTCCT[G>A]TCCTGCTGGTATCATGGAGAAAGTCCAATACCTCACTCGCTCAGCTATAAGAAGAGCCTC-3'